The following is an entry in ClinVar:

NM_024996.7(GFM1):c.*731C>T

Gene: GFM1 (G elongation factor mitochondrial 1; plus strand). Cytogenetic location: 3q25.32.
Variant type: single nucleotide variant.
Coding change: c.*731C>T on transcript NM_024996.7 (MANE Select); 731 bases downstream of the stop codon, C replaced by T.
Molecular consequence: 3 prime UTR variant. On other transcripts: non-coding transcript variant (4).
Genome position (GRCh38, 1-based): chr3:158,692,198, C>T. VCF-style: chr3-158692198-C-T. GRCh37 (hg19) VCF-style: chr3-158409987-C-T.
Other names: c.*731C>T (NM_001308164.2, NM_001374355.1, NM_001374356.1 and 5 more transcripts).
Identifiers: ClinVar variation 343948 (VCV000343948.5), dbSNP rs189114088, ClinGen allele CA10617864.

ClinVar aggregate classification (germline): Benign (1 of 4 stars; one submission).

Conditions:
Hepatoencephalopathy due to combined oxidative phosphorylation defect type 1. Also called: HEPATOENCEPHALOPATHY, EARLY FATAL PROGRESSIVE. Identifiers: Orphanet 137681, MedGen C1836797, MONDO:0012191, OMIM 609060.

Allele frequency attached by ClinVar (database versions not stated): gnomAD 0.00074 and 0.00175; TOPMed 0.00103; 1000 Genomes Project 30x 0.00578; 1000 Genomes Project 0.00679.

Submission:

Illumina Laboratory Services, Illumina
Classification: Benign for Hepatoencephalopathy due to combined oxidative phosphorylation defect type 1. Last evaluated: 2018-01-12. Review status: criteria provided, single submitter. Criteria: ICSL Variant Classification Criteria 13 December 2019. Collection method: clinical testing. Allele origin: germline.
Comment: This variant was observed in the ICSL laboratory as part of a predisposition screen in an ostensibly healthy population. It had not been previously curated by ICSL or reported in the Human Gene Mutation Database (HGMD: prior to June 1st, 2018), and was therefore a candidate for classification through an automated scoring system. Utilizing variant allele frequency, disease prevalence and penetrance estimates, and inheritance mode, an automated score was calculated to assess if this variant is too frequent to cause the disease. Based on the score and internal cut-off values, a variant classified as benign is not then subjected to further curation. The score for this variant resulted in a classification of benign for this disease.